The following is an entry in ClinVar:

NM_198428.3(BBS9):c.1370T>C (p.Leu457Ser)

Gene: BBS9 (Bardet-Biedl syndrome 9; plus strand). Cytogenetic location: 7p14.3.
Variant type: single nucleotide variant.
Coding change: c.1370T>C on transcript NM_198428.3 (MANE Select); coding-DNA position 1370, T replaced by C.
Protein change: p.Leu457Ser; replaces leucine 457 with serine.
Molecular consequence: missense variant. On other transcripts: non-coding transcript variant (3).
Genome position (GRCh38, 1-based): chr7:33,349,108, T>C. VCF-style: chr7-33349108-T-C. GRCh37 (hg19) VCF-style: chr7-33388720-T-C.
Other names: c.1370T>C, p.Leu457Ser (NM_001033604.2, NM_001033605.2, NM_001348036.1 and 5 more transcripts); c.1004T>C, p.Leu335Ser (NM_001348037.3, NM_001348044.3, NM_001348045.3 and 1 more transcripts); c.1097T>C, p.Leu366Ser (NM_001348038.3, NM_001348039.3); c.1235T>C, p.Leu412Ser (NM_001348042.3); short protein forms L335S, L366S, L412S, L457S.
Identifiers: ClinVar variation 1007872 (VCV001007872.9), dbSNP rs762511626, ClinGen allele CA367255521.

ClinVar aggregate classification (germline): Uncertain significance. Review status: criteria provided, multiple submitters, no conflicts (2 of 4 stars). 2 submissions from 2 submitters: Uncertain significance (2). Last evaluated 2024-03-04.

Conditions:
Bardet-Biedl syndrome (BBS). Identifiers: Orphanet 110, MedGen C0752166, MONDO:0015229.
Bardet-Biedl syndrome 9 (BBS9). Identifiers: Orphanet 110, MedGen C1859567, MONDO:0014437, OMIM 615986.

gnomAD v4.1: 5 of 1,613,400 alleles (0.00031%); highest among the groups gnomAD compares: Non-Finnish European, 0.00042%; no homozygotes.

Submissions (2):

Labcorp Genetics (formerly Invitae), Labcorp
Classification: Uncertain significance for Bardet-Biedl syndrome. Last evaluated: 2024-03-04. Review status: criteria provided, single submitter. Criteria: Invitae Variant Classification Sherloc (09022015). Collection method: clinical testing. Allele origin: germline.
Comment: This sequence change replaces leucine, which is neutral and non-polar, with serine, which is neutral and polar, at codon 457 of the BBS9 protein (p.Leu457Ser). This variant is not present in population databases (gnomAD no frequency). This variant has not been reported in the literature in individuals affected with BBS9-related conditions. ClinVar contains an entry for this variant (Variation ID: 1007872). Advanced modeling of protein sequence and biophysical properties (such as structural, functional, and spatial information, amino acid conservation, physicochemical variation, residue mobility, and thermodynamic stability) performed at Invitae indicates that this missense variant is expected to disrupt BBS9 protein function with a positive predictive value of 80%. In summary, the available evidence is currently insufficient to determine the role of this variant in disease. Therefore, it has been classified as a Variant of Uncertain Significance.

Fulgent Genetics
Classification: Uncertain significance for Bardet-Biedl syndrome 9. Last evaluated: 2021-10-30. Review status: criteria provided, single submitter. Criteria: ACMG Guidelines, 2015. Collection method: clinical testing. Allele origin: unknown.